The following is an entry in ClinVar:

NM_000245.4(MET):c.2328C>T (p.Val776=)

Gene: MET (MET proto-oncogene, receptor tyrosine kinase; plus strand). Cytogenetic location: 7q31.2.
Variant type: single nucleotide variant.
Coding change: c.2328C>T on transcript NM_000245.4 (MANE Select); coding-DNA position 2328, C replaced by T.
Protein change: p.Val776=; no amino-acid change (valine 776 retained).
Molecular consequence: synonymous variant.
Genome position (GRCh38, 1-based): chr7:116,759,454, C>T. VCF-style: chr7-116759454-C-T. GRCh37 (hg19) VCF-style: chr7-116399508-C-T.
Other names: c.2382C>T, p.Val794= (NM_001127500.3); c.2328C>T, p.Val776= (NM_001324401.3); c.1038C>T, p.Val346= (NM_001324402.2).
Identifiers: ClinVar variation 2711174 (VCV002711174.5), dbSNP rs1794311792, ClinGen allele CA457217298.
Genomic context (GRCh38, chr7:116,759,454, plus strand): 5'-TGGGAGCACAATAACAGGTGTTGGGAAAAACCTGAATTCAGTTAGTGTCCCGAGAATGGT[C>T]ATAAATGTGCATGAAGCAGGAAGGAACTTTACAGTGGTAAGTCCTTTGAGCAATGGTTCT-3'
Protein context (NP_000236.2, residues 766-786): NLNSVSVPRM[Val776=]INVHEAGRNF

ClinVar aggregate classification (germline): Conflicting classifications of pathogenicity. Review status: criteria provided, conflicting classifications (1 of 4 stars). 3 submissions from 3 submitters: Uncertain significance (1); Benign (1); Likely benign (1). Last evaluated 2026-08-18.

Conditions:
Renal cell carcinoma. Identifiers: Orphanet 217071, MedGen C0007134, MeSH D002292, MONDO:0005086, HP:0005584.
Papillary renal cell carcinoma type 1 (RCCP1). Also called: RENAL CELL CARCINOMA, PAPILLARY, 1, SOMATIC; Renal adenocarcinoma; Renal cell carcinoma 1; Renal cell carcinoma, somatic. Identifiers: Orphanet 47044, MedGen C1336839, OMIM 605074, HP:0011797.
Hereditary cancer-predisposing syndrome. Also called: Hereditary neoplastic syndrome; Hereditary Cancer Syndrome; Neoplastic Syndromes, Hereditary; Tumor predisposition. Identifiers: Orphanet 140162, MedGen C0027672, MeSH D009386, MONDO:0015356.

Submissions (3):

Ambry Genetics
Classification: Uncertain significance for Hereditary cancer-predisposing syndrome. Last evaluated: 2026-08-18. Review status: criteria provided, single submitter. Criteria: Ambry Variant Classification Scheme 2023. Collection method: clinical testing. Allele origin: germline.
Comment: The c.2382C>T variant (also known as p.V794V), located in coding exon 9 of the MET gene, results from a C to T substitution at nucleotide position 2382. This nucleotide substitution does not change the amino acid at codon 794. This nucleotide position is poorly conserved in available vertebrate species. In silico splice site analysis for this alteration is inconclusive. Based on the available evidence, the clinical significance of this variant remains unclear.

Myriad Genetics, Inc.
Classification: Benign for Papillary renal cell carcinoma type 1. Last evaluated: 2024-11-11. Review status: criteria provided, single submitter. Criteria: Myriad Autosomal Dominant, Autosomal Recessive and X-Linked Classification Criteria (2023). Collection method: clinical testing. Allele origin: unknown.
Comment: This variant is considered benign. This variant is a silent/synonymous amino acid change and it is not expected to impact splicing.

Labcorp Genetics (formerly Invitae), Labcorp
Classification: Likely benign for Renal cell carcinoma. Last evaluated: 2024-01-11. Review status: criteria provided, single submitter. Criteria: Invitae Variant Classification Sherloc (09022015). Collection method: clinical testing. Allele origin: germline.